The following is an entry in ClinVar:

ClinVar aggregate classification (germline): Benign/Likely benign. Review status: criteria provided, multiple submitters, no conflicts (2 of 4 stars). 8 submissions from 8 submitters: Benign (3); Likely benign (5). Last evaluated 2026-09-01.

Conditions:
Epidermolysis bullosa simplex 5B, with muscular dystrophy (EBS5B). Also called: Epidermolysis bullosa simplex with muscular dystrophy; EPIDERMOLYSIS BULLOSA SIMPLEX AND LIMB-GIRDLE MUSCULAR DYSTROPHY. Identifiers: Orphanet 257, MedGen C2931072, MONDO:0009181, OMIM 226670.
Autosomal recessive limb-girdle muscular dystrophy type 2Q (LGMDR17). Also called: MUSCULAR DYSTROPHY, LIMB-GIRDLE, AUTOSOMAL RECESSIVE 17. Identifiers: Orphanet 254361, MedGen C3150989, MONDO:0013390, OMIM 613723.
Epidermolysis bullosa simplex with nail dystrophy (EBS5D). Identifiers: MedGen C4225309, MONDO:0014661, OMIM 616487.
Epidermolysis bullosa simplex, Ogna type (EBS5A). Also called: Pidermolysis bullosa simplex 5A, Ogna type; EPIDERMOLYSIS BULLOSA SIMPLEX 5A, OGNA TYPE. Identifiers: Orphanet 79401, MedGen C0432317, MONDO:0007555, OMIM 131950.
Epidermolysis bullosa simplex 5C, with pyloric atresia (EBS5C). Also called: PLEC-Related Epidermolysis Bullosa with Pyloric Atresia; Epidermolysis bullosa simplex with pyloric atresia; PLEC1-Related Epidermolysis Bullosa with Pyloric Atresia. Identifiers: Orphanet 158684, MedGen C2677349, MONDO:0012807, OMIM 612138.

Allele frequency attached by ClinVar (database versions not stated): 1000 Genomes Project 30x 0.00297; ExAC 0.00552; 1000 Genomes Project 0.00240; ESP Exome Variant Server 0.00314; TOPMed 0.00398.
gnomAD v4.1: 9,076 of 1,555,728 alleles (0.58%); highest among the groups gnomAD compares: Middle Eastern, 0.8%; 35 homozygotes.

Submissions (8):

CeGaT Center for Human Genetics Tuebingen
Classification: Likely benign. Last evaluated: 2026-09-01. Review status: criteria provided, single submitter. Criteria: CeGaT Center For Human Genetics Tuebingen Variant Classification Criteria Version 2. Collection method: clinical testing. Allele origin: germline. Affected: yes. Observed: 19 variant alleles.
Comment: PLEC: BS2

Labcorp Genetics (formerly Invitae), Labcorp
Classification: Likely benign for Autosomal recessive limb-girdle muscular dystrophy type 2Q; Epidermolysis bullosa simplex, Ogna type; Epidermolysis bullosa simplex with nail dystrophy; Epidermolysis bullosa simplex 5C, with pyloric atresia; Epidermolysis bullosa simplex 5B, with muscular dystrophy. Last evaluated: 2026-02-01. Review status: criteria provided, single submitter. Criteria: Invitae Variant Classification Sherloc (09022015). Collection method: clinical testing. Allele origin: germline.

Blueprint Genetics
Classification: Likely benign. Last evaluated: 2024-11-26. Review status: criteria provided, single submitter. Criteria: ACMG Guidelines, 2015. Collection method: clinical testing. Allele origin: germline.

Athena Diagnostics
Classification: Benign. Last evaluated: 2024-02-05. Review status: criteria provided, single submitter. Criteria: Athena Diagnostics Criteria. Collection method: clinical testing. Allele origin: unknown.

Mayo Clinic Laboratories, Mayo Clinic
Classification: Benign. Last evaluated: 2023-12-06. Review status: criteria provided, single submitter. Criteria: ACMG Guidelines, 2015. Collection method: clinical testing. Allele origin: germline. Observed: 10 variant alleles.
Comment: BA1, BP4

GeneDx
Classification: Likely benign. Last evaluated: 2020-07-23. Review status: criteria provided, single submitter. Criteria: GeneDx Variant Classification Process June 2021. Collection method: clinical testing. Allele origin: germline. Affected: yes.
Comment: This variant is associated with the following publications: (PMID: 29334134, 29050564)

Center for Pediatric Genomic Medicine, Children's Mercy Hospital and Clinics
Classification: Likely benign. Last evaluated: 2017-09-25. Review status: criteria provided, single submitter. Criteria: ACMG Guidelines, 2015. Collection method: clinical testing. Allele origin: germline.

Eurofins Ntd Llc (ga)
Classification: Benign. Last evaluated: 2015-08-18. Review status: criteria provided, single submitter. Criteria: EGL Classification Definitions 2015. Collection method: clinical testing. Allele origin: germline. Observed: 2 variant alleles, 2 heterozygotes.

Literature cited by the submitters: PubMed 29334134 (cited by Athena Diagnostics and Mayo Clinic Laboratories, Mayo Clinic); PubMed 29970176 (cited by Athena Diagnostics).

NM_201384.3(PLEC):c.4598G>A (p.Arg1533Gln)

Gene: PLEC (plectin; minus strand). Cytogenetic location: 8q24.3.
Variant type: single nucleotide variant.
Coding change: c.4598G>A on transcript NM_201384.3 (MANE Select); coding-DNA position 4598, G replaced by A.
Protein change: p.Arg1533Gln; replaces arginine 1533 with glutamine.
Molecular consequence: missense variant.
Genome position (GRCh38, 1-based): chr8:143,925,331, C>T on the plus strand (G>A on the coding strand, the complement: PLEC is on the minus strand). VCF-style: chr8-143925331-C-T. GRCh37 (hg19) VCF-style: chr8-144999499-C-T.
Other names: p.Arg1519Gln; c.4679G>A, p.Arg1560Gln (NM_000445.5); c.4556G>A, p.Arg1519Gln (NM_201378.4); c.4532G>A, p.Arg1511Gln (NM_201379.3); c.5009G>A, p.Arg1670Gln (NM_201380.4); c.4502G>A, p.Arg1501Gln (NM_201381.3); c.4598G>A, p.Arg1533Gln (NM_201382.4); c.4610G>A, p.Arg1537Gln (NM_201383.3); short protein forms R1501Q, R1511Q, R1519Q, R1533Q, R1537Q, R1560Q, R1670Q.
Identifiers: ClinVar variation 167510 (VCV000167510.59), dbSNP rs201430180, ClinGen allele CA234652.